The following is an entry in ClinVar:

ClinVar aggregate classification (germline): Uncertain significance (1 of 4 stars; one submission).

Conditions:
NPHP1-related disorder. Also called: NPHP1-related condition; NPHP1-related disorders.

gnomAD v4.1: 1 of 1,613,840 alleles (0.000062%); highest among the groups gnomAD compares: Middle Eastern, 0.016%; no homozygotes.

Submission:

PreventionGenetics, part of Exact Sciences
Classification: Uncertain significance for NPHP1-related condition. Last evaluated: 2022-10-20. Review status: criteria provided, single submitter. Criteria: ACMG Guidelines, 2015. Collection method: clinical testing. Allele origin: germline.
Comment: The NPHP1 c.812A>G variant is predicted to result in the amino acid substitution p.Tyr271Cys. To our knowledge, this variant has not been reported in the literature or in a large population database, indicating this variant is rare. At this time, the clinical significance of this variant is uncertain due to the absence of conclusive functional and genetic evidence.

NM_001128178.3(NPHP1):c.771+41A>G

Gene: NPHP1 (nephrocystin 1; minus strand). Cytogenetic location: 2q13.
Variant type: single nucleotide variant.
Coding change: c.771+41A>G on transcript NM_001128178.3 (MANE Select); 41 bases into the intron after coding-DNA position 771, A replaced by G.
Molecular consequence: intron variant. On other transcripts: missense variant (2).
Genome position (GRCh38, 1-based): chr2:110,164,647, T>C on the plus strand (A>G on the coding strand, the complement: NPHP1 is on the minus strand). VCF-style: chr2-110164647-T-C. GRCh37 (hg19) VCF-style: chr2-110922224-T-C.
Other names: c.812A>G, p.Tyr271Cys (NM_000272.5, NM_207181.4); c.585+41A>G (NM_001128179.3); c.771+41A>G (NM_001374256.1, NM_001374257.1); short protein forms Y271C.
Identifiers: ClinVar variation 2628466 (VCV002628466.1), dbSNP rs868682844, ClinGen allele CA53514787.